The following is an entry in ClinVar:

ClinVar aggregate classification (germline): Uncertain significance (1 of 4 stars; one submission).

Allele frequency attached by ClinVar (database versions not stated): TOPMed 0.00001.
gnomAD v4.1: 4 of 1,512,320 alleles (0.00026%); highest among the groups gnomAD compares: Non-Finnish European, 0.00018%; no homozygotes.

Submission:

Labcorp Genetics (formerly Invitae), Labcorp
Classification: Uncertain significance. Last evaluated: 2021-08-22. Review status: criteria provided, single submitter. Criteria: Invitae Variant Classification Sherloc (09022015). Collection method: clinical testing. Allele origin: germline.
Comment: This sequence change replaces glutamine with arginine at codon 12 of the PPCS protein (p.Gln12Arg). The glutamine residue is weakly conserved and there is a small physicochemical difference between glutamine and arginine. This variant is not present in population databases (ExAC no frequency). This variant has not been reported in the literature in individuals affected with PPCS-related conditions. Algorithms developed to predict the effect of missense changes on protein structure and function output the following: SIFT: "Tolerated"; PolyPhen-2: "Benign"; Align-GVGD: "Class C0". The arginine amino acid residue is found in multiple mammalian species, which suggests that this missense change does not adversely affect protein function. In summary, the available evidence is currently insufficient to determine the role of this variant in disease. Therefore, it has been classified as a Variant of Uncertain Significance.

NM_024664.4(PPCS):c.35A>G (p.Gln12Arg)

Genes: CCDC30 (coiled-coil domain containing 30; plus strand), PPCS (phosphopantothenoylcysteine synthetase; plus strand). Cytogenetic location: 1p34.2.
Variant type: single nucleotide variant.
Coding change: c.35A>G on transcript NM_024664.4 (MANE Select); coding-DNA position 35, A replaced by G.
Protein change: p.Gln12Arg; replaces glutamine 12 with arginine.
Molecular consequence: missense variant. On other transcripts: 5 prime UTR variant (3), intron variant (4).
Genome position (GRCh38, 1-based): chr1:42,456,600, A>G. VCF-style: chr1-42456600-A-G. GRCh37 (hg19) VCF-style: chr1-42922271-A-G.
Other names: c.-40A>G (NM_001077447.3); c.-136A>G (NM_001287508.2); c.-658A>G (NM_001287510.2); c.35A>G, p.Gln12Arg (NM_001287511.2); c.-984+101A>G (NM_001355226.2); c.-328+101A>G (NM_001287507.1); c.-12+101A>G (NM_001287506.1); c.-12+17A>G (NM_001287509.2); short protein forms Q12R.
Identifiers: ClinVar variation 1386704 (VCV001386704.4), dbSNP rs1368681891, ClinGen allele CA339943532.